The following is an entry in ClinVar:

NM_004415.4(DSP):c.8468C>T (p.Pro2823Leu)

Gene: DSP (desmoplakin; plus strand). Cytogenetic location: 6p24.3.
Variant type: single nucleotide variant.
Coding change: c.8468C>T on transcript NM_004415.4 (MANE Select); coding-DNA position 8468, C replaced by T.
Protein change: p.Pro2823Leu; replaces proline 2823 with leucine.
Molecular consequence: missense variant.
Genome position (GRCh38, 1-based): chr6:7,585,730, C>T. VCF-style: chr6-7585730-C-T. GRCh37 (hg19) VCF-style: chr6-7585963-C-T.
Other names: c.6671C>T, p.Pro2224Leu (NM_001008844.3); c.7139C>T, p.Pro2380Leu (NM_001319034.2); short protein forms P2823L, P2224L, P2380L.
Identifiers: ClinVar variation 839123 (VCV000839123.11), dbSNP rs1404710139, ClinGen allele CA362695213.

ClinVar aggregate classification (germline): Uncertain significance. Review status: criteria provided, multiple submitters, no conflicts (2 of 4 stars). 3 submissions from 3 submitters: Uncertain significance (3). Last evaluated 2025-11-25.

Conditions:
Arrhythmogenic right ventricular dysplasia 8 (ARVD8). Also called: Arrhythmogenic Right Ventricular Dysplasia/Cardiomyopathy 8; ARRHYTHMOGENIC RIGHT VENTRICULAR DYSPLASIA, FAMILIAL, 8; ARRHYTHMOGENIC RIGHT VENTRICULAR CARDIOMYOPATHY 8. Identifiers: MedGen C1843896, MONDO:0011831, OMIM 607450.
Arrhythmogenic cardiomyopathy with wooly hair and keratoderma. Also called: Arrhythmogenic cardiomyopathy with woolly hair and keratoderma; PALMOPLANTAR KERATODERMA WITH LEFT VENTRICULAR CARDIOMYOPATHY AND WOOLLY HAIR; Carvajal syndrome; Dilated cardiomyopathy with woolly hair and keratoderma. Identifiers: Orphanet 65282, MedGen C1854063, MONDO:0011581, OMIM 605676.

Allele frequency attached by ClinVar (database versions not stated): gnomAD exomes below 0.00001.
gnomAD v4.1: 6 of 1,612,270 alleles (0.00037%); highest among the groups gnomAD compares: Non-Finnish European, 0.00034%; no homozygotes.

Submissions (3):

Labcorp Genetics (formerly Invitae), Labcorp
Classification: Uncertain significance for Arrhythmogenic cardiomyopathy with wooly hair and keratoderma; Arrhythmogenic right ventricular dysplasia 8. Last evaluated: 2025-11-25. Review status: criteria provided, single submitter. Criteria: Invitae Variant Classification Sherloc (09022015). Collection method: clinical testing. Allele origin: germline.
Comment: This sequence change replaces proline, which is neutral and non-polar, with leucine, which is neutral and non-polar, at codon 2823 of the DSP protein (p.Pro2823Leu). This variant is not present in population databases (gnomAD no frequency). This variant has not been reported in the literature in individuals affected with DSP-related conditions. ClinVar contains an entry for this variant (Variation ID: 839123). An algorithm developed to predict the effect of missense changes on protein structure and function (PolyPhen-2) suggests that this variant is likely to be disruptive. In summary, the available evidence is currently insufficient to determine the role of this variant in disease. Therefore, it has been classified as a Variant of Uncertain Significance.

All of Us Research Program, National Institutes of Health
Classification: Uncertain significance for Arrhythmogenic cardiomyopathy with wooly hair and keratoderma. Last evaluated: 2023-12-01. Review status: criteria provided, single submitter. Criteria: ACMG Guidelines, 2015. Collection method: clinical testing. Allele origin: germline. Inheritance: Autosomal dominant inheritance. Observed: 1 variant allele, 1 heterozygote.
Comment: This study involves interpretation of variants in research participants for the purpose of population health screening. Participant phenotype was not available at the time of variant classification. Additional details can be found in publication PMID: 35346344, PMCID: PMC8962531

GeneDx
Classification: Uncertain significance. Last evaluated: 2022-05-11. Review status: criteria provided, single submitter. Criteria: GeneDx Variant Classification Process June 2021. Collection method: clinical testing. Allele origin: germline. Affected: yes.
Comment: Not observed at significant frequency in large population cohorts (gnomAD); In silico analysis supports that this missense variant has a deleterious effect on protein structure/function; Has not been previously published as pathogenic or benign to our knowledge